The following is an entry in ClinVar:

NM_000512.5(GALNS):c.943G>A (p.Glu315Lys)

Gene: GALNS (galactosamine (N-acetyl)-6-sulfatase; minus strand). Cytogenetic location: 16q24.3.
Variant type: single nucleotide variant.
Coding change: c.943G>A on transcript NM_000512.5 (MANE Select); coding-DNA position 943, G replaced by A.
Protein change: p.Glu315Lys; replaces glutamic acid 315 with lysine.
Molecular consequence: missense variant.
Genome position (GRCh38, 1-based): chr16:88,832,057, C>T on the plus strand (G>A on the coding strand, the complement: GALNS is on the minus strand). VCF-style: chr16-88832057-C-T. GRCh37 (hg19) VCF-style: chr16-88898465-C-T.
Other names: c.388G>A, p.Glu130Lys (NM_001323543.2); c.961G>A, p.Glu321Lys (NM_001323544.2); short protein forms E130K, E315K, E321K.
Identifiers: ClinVar variation 1048224 (VCV001048224.3), dbSNP rs2142999177, ClinGen allele CA397101250.

ClinVar aggregate classification (germline): Uncertain significance (1 of 4 stars; one submission).

Conditions:
Mucopolysaccharidosis, MPS-IV-A (MPS4A). Also called: Mucopolysaccharidosis type IV A; Mucopolysaccharidosis Type IVA; Morquio syndrome A, mild; MORQUIO SYNDROME A; MPS IVA; mucopolysaccharidosis type 4A. Identifiers: Orphanet 309297, Orphanet 582, MedGen C0086651, MONDO:0009659, OMIM 253000.

Submission:

Laboratory of Diagnosis and Therapy of Lysosomal Disorders, University of Padova
Classification: Uncertain significance for Mucopolysaccharidosis, MPS-IV-A. Last evaluated: 2021-02-01. Review status: criteria provided, single submitter. Criteria: ACMG Guidelines, 2015. Collection method: curation. Allele origin: germline. Affected: yes.
Comment: Absent from gnomAD v2.1.1 (PM2_moderate); multiple lines of computational evidence support a deleterious effect on the gene (PP3_supporting)

Literature cited by the submitters: PubMed 24120057; PubMed 34387910.